The following is an entry in ClinVar:

NM_002447.4(MST1R):c.979G>A (p.Ala327Thr)

Gene: MST1R (macrophage stimulating 1 receptor; minus strand). Cytogenetic location: 3p21.31.
Variant type: single nucleotide variant.
Coding change: c.979G>A on transcript NM_002447.4 (MANE Select); coding-DNA position 979, G replaced by A.
Protein change: p.Ala327Thr; replaces alanine 327 with threonine.
Molecular consequence: missense variant. On other transcripts: non-coding transcript variant (1).
Genome position (GRCh38, 1-based): chr3:49,902,631, C>T on the plus strand (G>A on the coding strand, the complement: MST1R is on the minus strand). VCF-style: chr3-49902631-C-T. GRCh37 (hg19) VCF-style: chr3-49940064-C-T.
Other names: c.979G>A, p.Ala327Thr (NM_001244937.3, NM_001318913.2); short protein forms A327T.
Identifiers: ClinVar variation 1049925 (VCV001049925.1), dbSNP rs200757776, ClinGen allele CA2409342.

ClinVar aggregate classification (germline): Uncertain significance (0 of 4 stars; one submission).

Allele frequency attached by ClinVar (database versions not stated): gnomAD 0.00005 and 0.00009; gnomAD exomes 0.00008 and 0.00017; TOPMed 0.00012; ExAC 0.00017; 1000 Genomes Project 30x 0.00094; 1000 Genomes Project 0.00100.
gnomAD v4.1: 132 of 1,613,476 alleles (0.0082%); highest among the groups gnomAD compares: East Asian, 0.26%; no homozygotes.

Submission:

Department of Pathology and Laboratory Medicine, Sinai Health System
Classification: Uncertain significance. Review status: no assertion criteria provided. Collection method: clinical testing. Allele origin: unknown. Affected: yes. Study: The Canadian Open Genetics Repository (COGR).
Comment: The MST1R p.Ala327Thr variant was not identified in ClinVar, Cosmic or LOVD 3.0 but was identified in dbSNP (ID: rs200757776). The variant was also identified in control databases in 44 of 282058 chromosomes at a frequency of 0.000156 (Genome Aggregation Database Feb 27, 2017). The variant was observed in the following populations: East Asian in 43 of 19948 chromosomes (freq: 0.002156) and African in 1 of 24910 chromosomes (freq: 0.00004); it was not observed in the Latino, Ashkenazi Jewish, European (Finnish), European (non-Finnish), Other, and South Asian populations. This variant was found to be more prevalent in early onset nasopharyngeal carcinoma cases compared to controls (Dai_2016_PMID:26951679). The variant occurs outside of the splicing consensus sequence and in silico or computational prediction software programs (SpliceSiteFinder, MaxEntScan, NNSPLICE, GeneSplicer) do not predict a difference in splicing. The p.Ala327 residue is conserved in mammals and computational analyses (PolyPhen-2, SIFT, AlignGVGD, BLOSUM, MutationTaster) provide inconsistent predictions regarding the impact to the protein; this information is not very predictive of pathogenicity. In summary, based on the above information the clinical significance of this variant cannot be determined with certainty at this time. This variant is classified as a variant of uncertain significance.